The following is an entry in ClinVar:

NM_000535.7(PMS2):c.2429G>T (p.Arg810Ile)

Gene: PMS2 (PMS1 homolog 2, mismatch repair system component; minus strand). Cytogenetic location: 7p22.1.
Variant type: single nucleotide variant.
Coding change: c.2429G>T on transcript NM_000535.7 (MANE Select); coding-DNA position 2429, G replaced by T.
Protein change: p.Arg810Ile; replaces arginine 810 with isoleucine.
Molecular consequence: missense variant. On other transcripts: non-coding transcript variant (1).
Genome position (GRCh38, 1-based): chr7:5,977,604, C>A on the plus strand (G>T on the coding strand, the complement: PMS2 is on the minus strand). VCF-style: chr7-5977604-C-A. GRCh37 (hg19) VCF-style: chr7-6017235-C-A.
Other names: c.2024G>T, p.Arg675Ile (NM_001018040.1, NM_001322003.2, NM_001322004.2 and 12 more transcripts); c.2273G>T, p.Arg758Ile (NM_001322006.2); c.2111G>T, p.Arg704Ile (NM_001322007.2, NM_001322008.2, NM_001406883.1); c.2057G>T, p.Arg686Ile (NM_001322009.2, NM_001406887.1, NM_001406888.1); c.1868G>T, p.Arg623Ile (NM_001322010.2, NM_001406906.1, NM_001406907.1); c.1496G>T, p.Arg499Ile (NM_001322011.2, NM_001322012.2); c.1856G>T, p.Arg619Ile (NM_001322013.2, NM_001406908.1, NM_001406909.1); c.2462G>T, p.Arg821Ile (NM_001322014.2); and 20 more; short protein forms R499I, R553I, R571I, R619I, R623I, R639I, R675I, R707I.
Identifiers: ClinVar variation 1791127 (VCV001791127.5), dbSNP rs535705597, ClinGen allele CA366735583.
Genomic context (GRCh38, chr7:5,977,604, plus strand): 5'-CAAGCTTGAGCAGCTGAGCTGACAGCCAGGCTTTCTTTACTTACCGACTTCCGGCAGGCT[C>A]TGGAGGCAAACATCTGCTTGACTCGGGAAGGCCGGCACATGACCCCAGGGCTGTCGCTCA-3'
Protein context (NP_000526.2, residues 800-820): PSRVKQMFAS[Arg810Ile]ACRKSVMIGT

ClinVar aggregate classification (germline): Uncertain significance. Review status: criteria provided, multiple submitters, no conflicts (2 of 4 stars). 2 submissions from 2 submitters: Uncertain significance (2). Last evaluated 2023-01-14.

Conditions:
Hereditary nonpolyposis colorectal neoplasms. Identifiers: MedGen C0009405, MeSH D003123.
Hereditary cancer-predisposing syndrome. Also called: Hereditary Cancer Syndrome; Hereditary neoplastic syndrome; Tumor predisposition; Neoplastic Syndromes, Hereditary. Identifiers: Orphanet 140162, MedGen C0027672, MeSH D009386, MONDO:0015356.

Submissions (2):

Labcorp Genetics (formerly Invitae), Labcorp
Classification: Uncertain significance for Hereditary nonpolyposis colorectal neoplasms. Last evaluated: 2023-01-14. Review status: criteria provided, single submitter. Criteria: Invitae Variant Classification Sherloc (09022015). Collection method: clinical testing. Allele origin: germline.
Comment: The frequency data for this variant in the population databases (gnomAD) is considered unreliable due to the presence of homologous sequence, such as pseudogenes or paralogs, in the genome. This sequence change replaces arginine, which is basic and polar, with isoleucine, which is neutral and non-polar, at codon 810 of the PMS2 protein (p.Arg810Ile). This variant has not been reported in the literature in individuals affected with PMS2-related conditions. In summary, the available evidence is currently insufficient to determine the role of this variant in disease. Therefore, it has been classified as a Variant of Uncertain Significance. Advanced modeling of protein sequence and biophysical properties (such as structural, functional, and spatial information, amino acid conservation, physicochemical variation, residue mobility, and thermodynamic stability) performed at Invitae indicates that this missense variant is expected to disrupt PMS2 protein function. ClinVar contains an entry for this variant (Variation ID: 1791127).

Ambry Genetics
Classification: Uncertain significance for Hereditary cancer-predisposing syndrome. Last evaluated: 2021-08-02. Review status: criteria provided, single submitter. Criteria: Ambry Variant Classification Scheme 2023. Collection method: clinical testing. Allele origin: germline.
Comment: The p.R810I variant (also known as c.2429G>T), located in coding exon 14 of the PMS2 gene, results from a G to T substitution at nucleotide position 2429. The arginine at codon 810 is replaced by isoleucine, an amino acid with similar properties. This amino acid position is highly conserved in available vertebrate species. In addition, this alteration is predicted to be deleterious by in silico analysis. Since supporting evidence is limited at this time, the clinical significance of this alteration remains unclear.